The following is an entry in ClinVar:

NM_005883.3(APC2):c.1125G>A (p.Glu375=)

Gene: APC2 (APC regulator of Wnt signaling pathway 2; plus strand). Cytogenetic location: 19p13.3.
Variant type: single nucleotide variant.
Coding change: c.1125G>A on transcript NM_005883.3 (MANE Select); coding-DNA position 1125, G replaced by A.
Protein change: p.Glu375=; no amino-acid change (glutamic acid 375 retained).
Molecular consequence: synonymous variant.
Genome position (GRCh38, 1-based): chr19:1,457,161, G>A. VCF-style: chr19-1457161-G-A. GRCh37 (hg19) VCF-style: chr19-1457160-G-A.
Other names: c.1122G>A, p.Glu374= (NM_001351273.1); c.1125G>A (NM_005883.2).
Identifiers: ClinVar variation 2069842 (VCV002069842.6), dbSNP rs763557300, ClinGen allele CA9044973.

ClinVar aggregate classification (germline): Likely benign. Review status: criteria provided, single submitter (1 of 4 stars). 2 submissions from 2 submitters: Likely benign (1). 1 of the submissions does not count toward it. Last evaluated 2025-12-09.

Conditions:
APC2-related disorder. Also called: APC2-Related Disorders; APC2-related condition.

Allele frequency attached by ClinVar (database versions not stated): gnomAD 0.00001; gnomAD exomes 0.00002; TOPMed 0.00004; ExAC 0.00023.
gnomAD v4.1: 26 of 1,584,552 alleles (0.0016%); highest among the groups gnomAD compares: Admixed American, 0.043%; no homozygotes.

Submissions (2):

Labcorp Genetics (formerly Invitae), Labcorp
Classification: Likely benign. Last evaluated: 2025-12-09. Review status: criteria provided, single submitter. Criteria: Invitae Variant Classification Sherloc (09022015). Collection method: clinical testing. Allele origin: germline.

PreventionGenetics, part of Exact Sciences
Classification: Likely benign for APC2-related condition. Last evaluated: 2022-02-28. Review status: no assertion criteria provided. Collection method: clinical testing. Allele origin: germline. Not counted in ClinVar's aggregate classification.
Comment: This variant is classified as likely benign based on ACMG/AMP sequence variant interpretation guidelines (Richards et al. 2015 PMID: 25741868, with internal and published modifications).